The following is an entry in ClinVar:

NM_005612.5(REST):c.1342A>G (p.Ile448Val)

Gene: REST (RE1 silencing transcription factor; plus strand). Cytogenetic location: 4q12.
Variant type: single nucleotide variant.
Coding change: c.1342A>G on transcript NM_005612.5 (MANE Select); coding-DNA position 1342, A replaced by G.
Protein change: p.Ile448Val; replaces isoleucine 448 with valine.
Molecular consequence: missense variant.
Genome position (GRCh38, 1-based): chr4:56,930,200, A>G. VCF-style: chr4-56930200-A-G. GRCh37 (hg19) VCF-style: chr4-57796366-A-G.
Other names: c.1342A>G, p.Ile448Val (NM_001193508.2, NM_001363453.3); short protein forms I448V.
Identifiers: ClinVar variation 849629 (VCV000849629.10), dbSNP rs1720897736, ClinGen allele CA357006403.

ClinVar aggregate classification (germline): Uncertain significance. Review status: criteria provided, multiple submitters, no conflicts (2 of 4 stars). 2 submissions from 2 submitters: Uncertain significance (2). Last evaluated 2024-07-02.

Conditions:
Inborn genetic diseases. Identifiers: MedGen C0950123, MeSH D030342.

Submissions (2):

Ambry Genetics
Classification: Uncertain significance for Inborn genetic diseases. Last evaluated: 2024-07-02. Review status: criteria provided, single submitter. Criteria: Ambry Variant Classification Scheme 2023. Collection method: clinical testing. Allele origin: germline.

Labcorp Genetics (formerly Invitae), Labcorp
Classification: Uncertain significance. Last evaluated: 2019-12-22. Review status: criteria provided, single submitter. Criteria: Invitae Variant Classification Sherloc (09022015). Collection method: clinical testing. Allele origin: germline.
Comment: This sequence change replaces isoleucine with valine at codon 448 of the REST protein (p.Ile448Val). The isoleucine residue is weakly conserved and there is a small physicochemical difference between isoleucine and valine. In summary, the available evidence is currently insufficient to determine the role of this variant in disease. Therefore, it has been classified as a Variant of Uncertain Significance. Algorithms developed to predict the effect of missense changes on protein structure and function (SIFT, PolyPhen-2, Align-GVGD) all suggest that this variant is likely to be tolerated, but these predictions have not been confirmed by published functional studies and their clinical significance is uncertain. This variant has not been reported in the literature in individuals with REST-related conditions. This variant is not present in population databases (ExAC no frequency).